The following is an entry in ClinVar:

NM_001673.5(ASNS):c.445A>G (p.Met149Val)

Genes: ASNS (asparagine synthetase (glutamine-hydrolyzing); minus strand), CZ1P-ASNS (CZ1P-ASNS readthrough; minus strand). Cytogenetic location: 7q21.3.
Variant type: single nucleotide variant.
Coding change: c.445A>G on transcript NM_001673.5 (MANE Select); coding-DNA position 445, A replaced by G.
Protein change: p.Met149Val; replaces methionine 149 with valine.
Molecular consequence: missense variant. On other transcripts: non-coding transcript variant (1).
Genome position (GRCh38, 1-based): chr7:97,864,301, T>C on the plus strand (A>G on the coding strand, the complement: ASNS is on the minus strand). VCF-style: chr7-97864301-T-C. GRCh37 (hg19) VCF-style: chr7-97493613-T-C.
Other names: c.382A>G, p.Met128Val (NM_001178075.2); c.196A>G, p.Met66Val (NM_001178076.2, NM_001178077.1); c.445A>G, p.Met149Val (NM_001352496.2, NM_133436.3, NM_183356.4); short protein forms M149V, M128V, M66V.
Identifiers: ClinVar variation 1503795 (VCV001503795.5), dbSNP rs749729090, ClinGen allele CA4354779.

ClinVar aggregate classification (germline): Uncertain significance (1 of 4 stars; one submission).

Allele frequency attached by ClinVar (database versions not stated): gnomAD exomes below 0.00001 and 0.00002; ExAC 0.00003.

Submission:

Labcorp Genetics (formerly Invitae), Labcorp
Classification: Uncertain significance. Last evaluated: 2021-08-28. Review status: criteria provided, single submitter. Criteria: Invitae Variant Classification Sherloc (09022015). Collection method: clinical testing. Allele origin: germline.
Comment: This sequence change replaces methionine with valine at codon 149 of the ASNS protein (p.Met149Val). The methionine residue is weakly conserved and there is a small physicochemical difference between methionine and valine. This variant is present in population databases (rs749729090, ExAC 0.005%). This variant has not been reported in the literature in individuals affected with ASNS-related conditions. Advanced modeling of protein sequence and biophysical properties (such as structural, functional, and spatial information, amino acid conservation, physicochemical variation, residue mobility, and thermodynamic stability) performed at Invitae indicates that this missense variant is not expected to disrupt ASNS protein function. Algorithms developed to predict the effect of sequence changes on RNA splicing suggest that this variant may create or strengthen a splice site. In summary, the available evidence is currently insufficient to determine the role of this variant in disease. Therefore, it has been classified as a Variant of Uncertain Significance.